The following is an entry in ClinVar:

ClinVar aggregate classification (germline): Uncertain significance (1 of 4 stars; one submission).

Conditions:
Dilated cardiomyopathy 1G (CMD1G). Identifiers: Orphanet 154, MedGen C1858763, MONDO:0011400, OMIM 604145.
Autosomal recessive limb-girdle muscular dystrophy type 2J (LGMDR10). Also called: MUSCULAR DYSTROPHY, LIMB-GIRDLE, AUTOSOMAL RECESSIVE 10; Limb-girdle muscular dystrophy, type 2J. Identifiers: Orphanet 140922, MedGen C1837342, MONDO:0012127, OMIM 608807.

Allele frequency attached by ClinVar (database versions not stated): ExAC 0.00001; gnomAD exomes 0.00001.
gnomAD v4.1: 7 of 1,614,000 alleles (0.00043%); highest among the groups gnomAD compares: Non-Finnish European, 0.00059%; no homozygotes.

Submission:

Labcorp Genetics (formerly Invitae), Labcorp
Classification: Uncertain significance for Dilated cardiomyopathy 1G; Autosomal recessive limb-girdle muscular dystrophy type 2J. Last evaluated: 2025-12-15. Review status: criteria provided, single submitter. Criteria: Invitae Variant Classification Sherloc (09022015). Collection method: clinical testing. Allele origin: germline.
Comment: This sequence change replaces lysine, which is basic and polar, with glutamine, which is neutral and polar, at codon 34517 of the TTN protein (p.Lys34517Gln). This variant is present in population databases (rs781151465, gnomAD 0.0009%). This variant has not been reported in the literature in individuals affected with TTN-related conditions. ClinVar contains an entry for this variant (Variation ID: 2929925). Experimental studies and prediction algorithms are not available or were not evaluated, and the functional significance of this variant is currently unknown. This variant is located in the M band of TTN (PMID: 25589632). Non-truncating variants in this region may be relevant for neuromuscular disorders, but have not been definitively shown to cause cardiomyopathy (PMID: 23975875). In summary, the available evidence is currently insufficient to determine the role of this variant in disease. Therefore, it has been classified as a Variant of Uncertain Significance.

Literature cited by the submitters: PubMed 25589632; PubMed 23975875.

NM_001267550.2(TTN):c.103549A>C (p.Lys34517Gln)

Genes: TTN-AS1 (TTN antisense RNA 1; plus strand), TTN (titin; minus strand). Cytogenetic location: 2q31.2.
Variant type: single nucleotide variant.
Coding change: c.103549A>C on transcript NM_001267550.2 (MANE Select); coding-DNA position 103549, A replaced by C.
Protein change: p.Lys34517Gln; replaces lysine 34517 with glutamine.
Molecular consequence: missense variant.
Genome position (GRCh38, 1-based): chr2:178,533,066, T>G on the plus strand (A>C on the coding strand, the complement: TTN is on the minus strand). VCF-style: chr2-178533066-T-G. GRCh37 (hg19) VCF-style: chr2-179397793-T-G.
Other names: c.98626A>C, p.Lys32876Gln (NM_001256850.1); c.76354A>C, p.Lys25452Gln (NM_003319.4); c.95845A>C, p.Lys31949Gln (NM_133378.4); c.76729A>C, p.Lys25577Gln (NM_133432.3); c.76930A>C, p.Lys25644Gln (NM_133437.4); short protein forms K25577Q, K25644Q, K31949Q, K32876Q, K25452Q, K34517Q.
Identifiers: ClinVar variation 2929925 (VCV002929925.3), dbSNP rs781151465, ClinGen allele CA1985585.
Genomic context (GRCh38, chr2:178,533,066, plus strand): 5'-GGAGTTTTCTCTCCTCCTTCTTTTCTTCTATCTCAAGTCTGAATTCCCCTTTTACAGTCT[T>G]GGTGCTTACAGCCGGTTTATAAAGGACAGCAGCTTCTCTCAGAGCCTCTTTAGCTACCTG-3'
Protein context (NP_001254479.2, residues 34507-34527): AVLYKPAVST[Lys34517Gln]TVKGEFRLEI